The following is an entry in ClinVar:

NM_001242896.3(DEPDC5):c.1369G>A (p.Val457Ile)

Gene: DEPDC5 (DEP domain containing 5, GATOR1 subcomplex subunit; plus strand). Cytogenetic location: 22q12.3.
Variant type: single nucleotide variant.
Coding change: c.1369G>A on transcript NM_001242896.3 (MANE Select); coding-DNA position 1369, G replaced by A.
Protein change: p.Val457Ile; replaces valine 457 with isoleucine.
Molecular consequence: missense variant. On other transcripts: non-coding transcript variant (5).
Genome position (GRCh38, 1-based): chr22:31,810,565, G>A. VCF-style: chr22-31810565-G-A. GRCh37 (hg19) VCF-style: chr22-32206551-G-A.
Other names: c.1369G>A, p.Val457Ile (NM_001007188.4, NM_001136029.4, NM_001242897.2 and 7 more transcripts); c.1285G>A, p.Val429Ile (NM_001369901.1, NM_001369902.1); short protein forms V429I, V457I.
Identifiers: ClinVar variation 2728896 (VCV002728896.3), dbSNP rs1230375185, ClinGen allele CA411276837.

ClinVar aggregate classification (germline): Uncertain significance (1 of 4 stars; one submission).

Conditions:
Familial focal epilepsy with variable foci (FPEVF). Identifiers: Orphanet 98820, MedGen C1858477, MONDO:0020310.

Submission:

Labcorp Genetics (formerly Invitae), Labcorp
Classification: Uncertain significance for Familial focal epilepsy with variable foci. Last evaluated: 2023-05-05. Review status: criteria provided, single submitter. Criteria: Invitae Variant Classification Sherloc (09022015). Collection method: clinical testing. Allele origin: germline.
Comment: In summary, the available evidence is currently insufficient to determine the role of this variant in disease. Therefore, it has been classified as a Variant of Uncertain Significance. Experimental studies and prediction algorithms are not available or were not evaluated, and the functional significance of this variant is currently unknown. This variant has not been reported in the literature in individuals affected with DEPDC5-related conditions. This variant is not present in population databases (gnomAD no frequency). This sequence change replaces valine, which is neutral and non-polar, with isoleucine, which is neutral and non-polar, at codon 457 of the DEPDC5 protein (p.Val457Ile).